The following is an entry in ClinVar:

NM_001868.4(CPA1):c.1153G>A (p.Gly385Arg)

Gene: CPA1 (carboxypeptidase A1; plus strand). Cytogenetic location: 7q32.2.
Variant type: single nucleotide variant.
Coding change: c.1153G>A on transcript NM_001868.4 (MANE Select); coding-DNA position 1153, G replaced by A.
Protein change: p.Gly385Arg; replaces glycine 385 with arginine.
Molecular consequence: missense variant.
Genome position (GRCh38, 1-based): chr7:130,387,904, G>A. VCF-style: chr7-130387904-G-A. GRCh37 (hg19) VCF-style: chr7-130027745-G-A.
Other names: short protein forms G385R.
Identifiers: ClinVar variation 1405219 (VCV001405219.8), dbSNP rs1423355120, ClinGen allele CA369284347.

ClinVar aggregate classification (germline): Uncertain significance (1 of 4 stars; one submission).

Allele frequency attached by ClinVar (database versions not stated): gnomAD exomes below 0.00001; gnomAD 0.00001; TOPMed 0.00001.
gnomAD v4.1: 3 of 1,614,032 alleles (0.00019%); highest among the groups gnomAD compares: Non-Finnish European, 0.00025%; no homozygotes.

Submission:

Labcorp Genetics (formerly Invitae), Labcorp
Classification: Uncertain significance. Last evaluated: 2021-06-05. Review status: criteria provided, single submitter. Criteria: Invitae Variant Classification Sherloc (09022015). Collection method: clinical testing. Allele origin: germline.
Comment: In summary, the available evidence is currently insufficient to determine the role of this variant in disease. Therefore, it has been classified as a Variant of Uncertain Significance. This sequence change replaces glycine with arginine at codon 385 of the CPA1 protein (p.Gly385Arg). The glycine residue is highly conserved and there is a moderate physicochemical difference between glycine and arginine. This variant is not present in population databases (ExAC no frequency). This variant has not been reported in the literature in individuals with CPA1-related conditions. Algorithms developed to predict the effect of missense changes on protein structure and function (SIFT, PolyPhen-2, Align-GVGD) all suggest that this variant is likely to be disruptive, but these predictions have not been confirmed by published functional studies and their clinical significance is uncertain.